The following is an entry in ClinVar:

NM_004519.4(KCNQ3):c.815T>C (p.Leu272Pro)

Gene: KCNQ3 (potassium voltage-gated channel subfamily Q member 3; minus strand). Cytogenetic location: 8q24.22.
Variant type: single nucleotide variant.
Coding change: c.815T>C on transcript NM_004519.4 (MANE Select); coding-DNA position 815, T replaced by C.
Protein change: p.Leu272Pro; replaces leucine 272 with proline.
Molecular consequence: missense variant.
Genome position (GRCh38, 1-based): chr8:132,175,571, A>G on the plus strand (T>C on the coding strand, the complement: KCNQ3 is on the minus strand). VCF-style: chr8-132175571-A-G. GRCh37 (hg19) VCF-style: chr8-133187818-A-G.
Other names: c.455T>C, p.Leu152Pro (NM_001204824.2); short protein forms L152P, L272P.
Identifiers: ClinVar variation 2824152 (VCV002824152.3), dbSNP rs2536944265, ClinGen allele CA372290550.

ClinVar aggregate classification (germline): Uncertain significance (1 of 4 stars; one submission).

Conditions:
Benign neonatal seizures. Also called: Convulsions benign familial neonatal dominant form; Autosomal dominant form of benign neonatal seizures; Benign familial neonatal epilepsy; Benign familial neonatal seizures; Benign neonatal familial convulsions. Identifiers: Orphanet 1949, MedGen C0220669, MONDO:0016027.

Submission:

Labcorp Genetics (formerly Invitae), Labcorp
Classification: Uncertain significance for Benign neonatal seizures. Last evaluated: 2022-12-25. Review status: criteria provided, single submitter. Criteria: Invitae Variant Classification Sherloc (09022015). Collection method: clinical testing. Allele origin: germline.
Comment: This sequence change replaces leucine, which is neutral and non-polar, with proline, which is neutral and non-polar, at codon 272 of the KCNQ3 protein (p.Leu272Pro). This variant is not present in population databases (gnomAD no frequency). This variant has not been reported in the literature in individuals affected with KCNQ3-related conditions. Advanced modeling of protein sequence and biophysical properties (such as structural, functional, and spatial information, amino acid conservation, physicochemical variation, residue mobility, and thermodynamic stability) performed at Invitae indicates that this missense variant is expected to disrupt KCNQ3 protein function. In summary, the available evidence is currently insufficient to determine the role of this variant in disease. Therefore, it has been classified as a Variant of Uncertain Significance.